The following is an entry in ClinVar:

NM_000048.4(ASL):c.1207G>T (p.Val403Phe)

Gene: ASL (argininosuccinate lyase; plus strand). Cytogenetic location: 7q11.21.
Variant type: single nucleotide variant.
Coding change: c.1207G>T on transcript NM_000048.4 (MANE Select); coding-DNA position 1207, G replaced by T.
Protein change: p.Val403Phe; replaces valine 403 with phenylalanine.
Molecular consequence: missense variant.
Genome position (GRCh38, 1-based): chr7:66,092,620, G>T. VCF-style: chr7-66092620-G-T. GRCh37 (hg19) VCF-style: chr7-65557607-G-T.
Other names: c.1207G>T, p.Val403Phe (NM_001024943.2); c.1147G>T, p.Val383Phe (NM_001024944.2); c.1129G>T, p.Val377Phe (NM_001024946.2); short protein forms V377F, V383F, V403F.
Identifiers: ClinVar variation 4802469 (VCV004802469.1).

ClinVar aggregate classification (germline): Uncertain significance (1 of 4 stars; one submission).

Conditions:
Argininosuccinate lyase deficiency. Also called: Argininosuccinic aciduria; ARGININOSUCCINIC ACID LYASE DEFICIENCY; ASL DEFICIENCY. Identifiers: Orphanet 23, MedGen C0268547, MONDO:0008815, OMIM 207900, HP:0025630.

gnomAD v4.1: 1 of 1,613,328 alleles (0.000062%); highest among the groups gnomAD compares: Non-Finnish European, 0.000085%; no homozygotes.

Submission:

Labcorp Genetics (formerly Invitae), Labcorp
Classification: Uncertain significance for Argininosuccinate lyase deficiency. Last evaluated: 2025-09-25. Review status: criteria provided, single submitter. Criteria: Invitae Variant Classification Sherloc (09022015). Collection method: clinical testing. Allele origin: germline.
Comment: This sequence change replaces valine, which is neutral and non-polar, with phenylalanine, which is neutral and non-polar, at codon 403 of the ASL protein (p.Val403Phe). This variant is present in population databases (rs763635336, gnomAD 0.0009%). This missense change has been observed in individual(s) with argininosuccinic aciduria (internal data). In at least one individual the data is consistent with being in trans (on the opposite chromosome) from a pathogenic variant. Invitae Evidence Modeling of protein sequence and biophysical properties (such as structural, functional, and spatial information, amino acid conservation, physicochemical variation, residue mobility, and thermodynamic stability) has been performed for this missense variant. However, the output from this modeling did not meet the statistical confidence thresholds required to predict the impact of this variant on ASL protein function. In summary, the available evidence is currently insufficient to determine the role of this variant in disease. Therefore, it has been classified as a Variant of Uncertain Significance.